The following is an entry in ClinVar:

NM_005859.5(PURA):c.699C>T (p.Phe233=)

Gene: PURA (purine rich element binding protein A; plus strand). Cytogenetic location: 5q31.3.
Variant type: single nucleotide variant.
Coding change: c.699C>T on transcript NM_005859.5 (MANE Select); coding-DNA position 699, C replaced by T.
Protein change: p.Phe233=; no amino-acid change (phenylalanine 233 retained).
Molecular consequence: synonymous variant.
Genome position (GRCh38, 1-based): chr5:140,114,880, C>T. VCF-style: chr5-140114880-C-T. GRCh37 (hg19) VCF-style: chr5-139494465-C-T.
Identifiers: ClinVar variation 3612079 (VCV003612079.2).
Genomic context (GRCh38, chr5:140,114,880, plus strand): 5'-GGAGCCGGCCGAGCTGCCCGAGGGCACCTCCTTGACTGTGGACAACAAGCGCTTCTTCTT[C>T]GATGTGGGCTCCAACAAGTACGGCGTGTTTATGCGAGTGAGCGAGGTGAAGCCCACCTAT-3'
Protein context (NP_005850.1, residues 223-243): SLTVDNKRFF[Phe233=]DVGSNKYGVF

ClinVar aggregate classification (germline): Uncertain significance (1 of 4 stars; one submission).

Conditions:
PURA-related severe neonatal hypotonia-seizures-encephalopathy syndrome (NEDRIHF). Also called: NEURODEVELOPMENTAL DISORDER WITH NEONATAL RESPIRATORY INSUFFICIENCY, HYPOTONIA, AND FEEDING DIFFICULTIES; PURA-Related Neurodevelopmental Disorders. Identifiers: Orphanet 438213, Orphanet 438216, MedGen C4015357, MONDO:1060108, OMIM 616158, MONDO:0018580.

Submission:

Labcorp Genetics (formerly Invitae), Labcorp
Classification: Uncertain significance for PURA-related severe neonatal hypotonia-seizures-encephalopathy syndrome. Last evaluated: 2024-11-16. Review status: criteria provided, single submitter. Criteria: Invitae Variant Classification Sherloc (09022015). Collection method: clinical testing. Allele origin: germline.
Comment: This sequence change affects codon 233 of the PURA mRNA. It is a 'silent' change, meaning that it does not change the encoded amino acid sequence of the PURA protein. This variant is present in population databases (rs780460943, gnomAD 0.003%). This variant has not been reported in the literature in individuals affected with PURA-related conditions. In summary, the available evidence is currently insufficient to determine the role of this variant in disease. Therefore, it has been classified as a Variant of Uncertain Significance.